The following is an entry in ClinVar:

NM_201384.3(PLEC):c.4524G>A (p.Gln1508=)

Gene: PLEC (plectin; minus strand). Cytogenetic location: 8q24.3.
Variant type: single nucleotide variant.
Coding change: c.4524G>A on transcript NM_201384.3 (MANE Select); coding-DNA position 4524, G replaced by A.
Protein change: p.Gln1508=; no amino-acid change (glutamine 1508 retained).
Molecular consequence: synonymous variant.
Genome position (GRCh38, 1-based): chr8:143,925,405, C>T on the plus strand (G>A on the coding strand, the complement: PLEC is on the minus strand). VCF-style: chr8-143925405-C-T. GRCh37 (hg19) VCF-style: chr8-144999573-C-T.
Other names: c.4605G>A, p.Gln1535= (NM_000445.5); c.4482G>A, p.Gln1494= (NM_201378.4); c.4458G>A, p.Gln1486= (NM_201379.3); c.4935G>A, p.Gln1645= (NM_201380.4); c.4428G>A, p.Gln1476= (NM_201381.3); c.4524G>A, p.Gln1508= (NM_201382.4); c.4536G>A, p.Gln1512= (NM_201383.3).
Identifiers: ClinVar variation 196722 (VCV000196722.47), dbSNP rs370168097, ClinGen allele CA243840.

ClinVar aggregate classification (germline): Conflicting classifications of pathogenicity. Review status: criteria provided, conflicting classifications (1 of 4 stars). 8 submissions from 8 submitters: Uncertain significance (2); Benign (1); Likely benign (5). Last evaluated 2026-01-28.

Conditions:
Epidermolysis bullosa simplex, Ogna type (EBS5A). Also called: Pidermolysis bullosa simplex 5A, Ogna type; EPIDERMOLYSIS BULLOSA SIMPLEX 5A, OGNA TYPE. Identifiers: Orphanet 79401, MedGen C0432317, MONDO:0007555, OMIM 131950.
Epidermolysis bullosa simplex 5C, with pyloric atresia (EBS5C). Also called: PLEC-Related Epidermolysis Bullosa with Pyloric Atresia; Epidermolysis bullosa simplex with pyloric atresia; PLEC1-Related Epidermolysis Bullosa with Pyloric Atresia. Identifiers: Orphanet 158684, MedGen C2677349, MONDO:0012807, OMIM 612138.
Autosomal recessive limb-girdle muscular dystrophy type 2Q (LGMDR17). Also called: MUSCULAR DYSTROPHY, LIMB-GIRDLE, AUTOSOMAL RECESSIVE 17. Identifiers: Orphanet 254361, MedGen C3150989, MONDO:0013390, OMIM 613723.
Epidermolysis bullosa simplex with nail dystrophy (EBS5D). Identifiers: MedGen C4225309, MONDO:0014661, OMIM 616487.
Epidermolysis bullosa simplex 5B, with muscular dystrophy (EBS5B). Also called: EPIDERMOLYSIS BULLOSA SIMPLEX AND LIMB-GIRDLE MUSCULAR DYSTROPHY; Epidermolysis bullosa simplex with muscular dystrophy. Identifiers: Orphanet 257, MedGen C2931072, MONDO:0009181, OMIM 226670.

Allele frequency attached by ClinVar (database versions not stated): ESP Exome Variant Server 0.00009; gnomAD 0.00029; ExAC 0.00036; gnomAD exomes 0.00040 and 0.00074; TOPMed 0.00049.
gnomAD v4.1: 1,104 of 1,590,778 alleles (0.069%); highest among the groups gnomAD compares: Non-Finnish European, 0.091%; 5 homozygotes.

Submissions (8):

Labcorp Genetics (formerly Invitae), Labcorp
Classification: Likely benign for Autosomal recessive limb-girdle muscular dystrophy type 2Q; Epidermolysis bullosa simplex, Ogna type; Epidermolysis bullosa simplex with nail dystrophy; Epidermolysis bullosa simplex 5C, with pyloric atresia; Epidermolysis bullosa simplex 5B, with muscular dystrophy. Last evaluated: 2026-01-28. Review status: criteria provided, single submitter. Criteria: Invitae Variant Classification Sherloc (09022015). Collection method: clinical testing. Allele origin: germline.

Women's Health and Genetics/Laboratory Corporation of America, LabCorp
Classification: Likely benign. Last evaluated: 2025-04-08. Review status: criteria provided, single submitter. Criteria: LabCorp Variant Classification Summary - May 2015. Collection method: clinical testing. Allele origin: germline.

Blueprint Genetics
Classification: Likely benign. Last evaluated: 2024-11-26. Review status: criteria provided, single submitter. Criteria: ACMG Guidelines, 2015. Collection method: clinical testing. Allele origin: germline.

Revvity Omics, Revvity
Classification: Benign. Last evaluated: 2023-08-14. Review status: criteria provided, single submitter. Criteria: ACMG Guidelines, 2015. Collection method: clinical testing. Allele origin: germline.

CeGaT Center for Human Genetics Tuebingen
Classification: Likely benign. Last evaluated: 2022-08-01. Review status: criteria provided, single submitter. Criteria: CeGaT Center For Human Genetics Tuebingen Variant Classification Criteria Version 2. Collection method: clinical testing. Allele origin: germline. Affected: yes. Observed: 2 variant alleles.
Comment: PLEC: BP4, BP7

Athena Diagnostics
Classification: Likely benign. Last evaluated: 2021-04-23. Review status: criteria provided, single submitter. Criteria: Athena Diagnostics criteria. Collection method: clinical testing. Allele origin: unknown.

GeneDx
Classification: Uncertain significance. Last evaluated: 2021-01-19. Review status: criteria provided, single submitter. Criteria: GeneDx Variant Classification Process June 2021. Collection method: clinical testing. Allele origin: germline. Affected: yes.
Comment: Has not been previously published as pathogenic or benign to our knowledge; In silico analysis, which includes splice predictors and evolutionary conservation, suggests this variant may impact gene splicing. In the absence of RNA/functional studies, the actual effect of this sequence change is unknown.

Eurofins Ntd Llc (ga)
Classification: Uncertain significance. Last evaluated: 2017-06-27. Review status: criteria provided, single submitter. Criteria: EGL Classification Definitions 2015. Collection method: clinical testing. Allele origin: germline. Observed: 9 variant alleles, 9 heterozygotes.